The following is an entry in ClinVar:

NM_000215.4(JAK3):c.2505C>T (p.Ser835=)

Gene: JAK3 (Janus kinase 3; minus strand). Cytogenetic location: 19p13.11.
Variant type: single nucleotide variant.
Coding change: c.2505C>T on transcript NM_000215.4 (MANE Select); coding-DNA position 2505, C replaced by T.
Protein change: p.Ser835=; no amino-acid change (serine 835 retained).
Molecular consequence: synonymous variant.
Genome position (GRCh38, 1-based): chr19:17,832,694, G>A on the plus strand (C>T on the coding strand, the complement: JAK3 is on the minus strand). VCF-style: chr19-17832694-G-A. GRCh37 (hg19) VCF-style: chr19-17943503-G-A.
Identifiers: ClinVar variation 791757 (VCV000791757.11), dbSNP rs201199096, ClinGen allele CA9301584.

ClinVar aggregate classification (germline): Likely benign. Review status: criteria provided, multiple submitters, no conflicts (2 of 4 stars). 3 submissions from 3 submitters: Likely benign (3). Last evaluated 2026-08-01.

Conditions:
T-B+ severe combined immunodeficiency due to JAK3 deficiency. Also called: SCID, T CELL-NEGATIVE, B CELL-POSITIVE, NK CELL-NEGATIVE; SCID, autosomal recessive, T-negative/B-positive type. Identifiers: Orphanet 35078, MedGen C1833275, MONDO:0010938, OMIM 600802.

Allele frequency attached by ClinVar (database versions not stated): gnomAD exomes 0.00020 and 0.00013; gnomAD 0.00010; ExAC 0.00014; TOPMed 0.00014; ESP Exome Variant Server 0.00015.
gnomAD v4.1: 304 of 1,614,068 alleles (0.019%); highest among the groups gnomAD compares: Non-Finnish European, 0.025%; no homozygotes.

Submissions (3):

CeGaT Center for Human Genetics Tuebingen
Classification: Likely benign. Last evaluated: 2026-08-01. Review status: criteria provided, single submitter. Criteria: CeGaT Center For Human Genetics Tuebingen Variant Classification Criteria Version 2. Collection method: clinical testing. Allele origin: germline. Affected: yes. Observed: 1 variant allele.
Comment: JAK3: BP4, BP7

Labcorp Genetics (formerly Invitae), Labcorp
Classification: Likely benign for T-B+ severe combined immunodeficiency due to JAK3 deficiency. Last evaluated: 2026-01-16. Review status: criteria provided, single submitter. Criteria: Invitae Variant Classification Sherloc (09022015). Collection method: clinical testing. Allele origin: germline.

Blueprint Genetics
Classification: Likely benign. Last evaluated: 2024-11-08. Review status: criteria provided, single submitter. Criteria: ACMG Guidelines, 2015. Collection method: clinical testing. Allele origin: germline.